The following is an entry in ClinVar:

ClinVar aggregate classification (germline): Uncertain significance (1 of 4 stars; one submission).

Allele frequency attached by ClinVar (database versions not stated): gnomAD exomes below 0.00001.
gnomAD v4.1: 1 of 1,614,130 alleles (0.000062%); highest among the groups gnomAD compares: Non-Finnish European, 0.000085%; no homozygotes.

Submission:

Labcorp Genetics (formerly Invitae), Labcorp
Classification: Uncertain significance. Last evaluated: 2025-09-09. Review status: criteria provided, single submitter. Criteria: Invitae Variant Classification Sherloc (09022015). Collection method: clinical testing. Allele origin: germline.
Comment: This sequence change replaces glutamic acid, which is acidic and polar, with lysine, which is basic and polar, at codon 312 of the CSF1R protein (p.Glu312Lys). This variant is not present in population databases (gnomAD no frequency). This variant has not been reported in the literature in individuals affected with CSF1R-related conditions. ClinVar contains an entry for this variant (Variation ID: 2960340). Invitae Evidence Modeling of protein sequence and biophysical properties (such as structural, functional, and spatial information, amino acid conservation, physicochemical variation, residue mobility, and thermodynamic stability) indicates that this missense variant is not expected to disrupt CSF1R protein function with a negative predictive value of 95%. In summary, the available evidence is currently insufficient to determine the role of this variant in disease. Therefore, it has been classified as a Variant of Uncertain Significance.

NM_001288705.3(CSF1R):c.934G>A (p.Glu312Lys)

Gene: CSF1R (colony stimulating factor 1 receptor; minus strand). Cytogenetic location: 5q32.
Variant type: single nucleotide variant.
Coding change: c.934G>A on transcript NM_001288705.3 (MANE Select); coding-DNA position 934, G replaced by A.
Protein change: p.Glu312Lys; replaces glutamic acid 312 with lysine.
Molecular consequence: missense variant. On other transcripts: non-coding transcript variant (2).
Genome position (GRCh38, 1-based): chr5:150,073,449, C>T on the plus strand (G>A on the coding strand, the complement: CSF1R is on the minus strand). VCF-style: chr5-150073449-C-T. GRCh37 (hg19) VCF-style: chr5-149453012-C-T.
Other names: c.934G>A, p.Glu312Lys (NM_001349736.2, NM_001375320.1, NM_005211.4); c.490G>A, p.Glu164Lys (NM_001375321.1); short protein forms E164K, E312K.
Identifiers: ClinVar variation 2960340 (VCV002960340.3), dbSNP rs1758116362, ClinGen allele CA361725084.
Genomic context (GRCh38, chr5:150,073,449, plus strand): 5'-GCAGGCCTGGGTAGGCCTCCACCATGACTTTGAGGTTGAGCCCCTCCCCCACGGTCACCT[C>T]CTGGATGAGGTTCTGCTCAGAGCTCAAGTTCAAGTAGGCACTCTCTGGAAAGCAGAACAC-3'
Protein context (NP_001275634.1, residues 302-322): NLSSEQNLIQ[Glu312Lys]VTVGEGLNLK